The following is an entry in ClinVar:

ClinVar aggregate classification (germline): Uncertain significance (1 of 4 stars; one submission).

Conditions:
MAGEL2-related disorder. Also called: MAGEL2-related condition.

gnomAD v4.1: 11 of 1,532,842 alleles (0.00072%); highest among the groups gnomAD compares: African/African-American, 0.0014%; no homozygotes.

Submission:

PreventionGenetics, part of Exact Sciences
Classification: Uncertain significance for MAGEL2-related condition. Last evaluated: 2026-09-01. Review status: criteria provided, single submitter. Criteria: ACMG Guidelines, 2015. Collection method: clinical testing. Allele origin: germline.
Comment: The MAGEL2 c.640C>A variant is predicted to result in the amino acid substitution p.Pro214Thr. To our knowledge, this variant has not been reported in the literature or in a large population database (gnomAD), indicating this variant is rare. At this time, the clinical significance of this variant is uncertain due to the absence of conclusive functional and genetic evidence.

NM_019066.5(MAGEL2):c.640C>A (p.Pro214Thr)

Gene: MAGEL2 (MAGE family member L2; minus strand). Cytogenetic location: 15q11.2.
Variant type: single nucleotide variant.
Coding change: c.640C>A on transcript NM_019066.5 (MANE Select); coding-DNA position 640, C replaced by A.
Protein change: p.Pro214Thr; replaces proline 214 with threonine.
Molecular consequence: missense variant.
Genome position (GRCh38, 1-based): chr15:23,647,103, G>T on the plus strand (C>A on the coding strand, the complement: MAGEL2 is on the minus strand). VCF-style: chr15-23647103-G-T. GRCh37 (hg19) VCF-style: chr15-23892250-G-T.
Other names: short protein forms P214T.
Identifiers: ClinVar variation 4990347 (VCV004990347.1).
Genomic context (GRCh38, chr15:23,647,103, plus strand): 5'-CTGGAGGCTGGGCCATCGGTGTACCCGGAGGGGGAGGATGAGCCATCGGTGTCCCCGGAG[G>T]TGGAGGATGAGCCATCGGTGTCCCCGGAGGGGGAGGATGAGCCATCGGTGTCCCCGGAGG-3'
Protein context (NP_061939.3, residues 204-224): PPGTPMAHPP[Pro214Thr]PGTPMAHPPP